The following is an entry in ClinVar:

NM_006361.6(HOXB13):c.717G>A (p.Lys239=)

Gene: HOXB13 (homeobox B13; minus strand). Cytogenetic location: 17q21.32.
Variant type: single nucleotide variant.
Coding change: c.717G>A on transcript NM_006361.6 (MANE Select); coding-DNA position 717, G replaced by A.
Protein change: p.Lys239=; no amino-acid change (lysine 239 retained).
Molecular consequence: synonymous variant.
Genome position (GRCh38, 1-based): chr17:48,726,928, C>T on the plus strand (G>A on the coding strand, the complement: HOXB13 is on the minus strand). VCF-style: chr17-48726928-C-T. GRCh37 (hg19) VCF-style: chr17-46804290-C-T.
Identifiers: ClinVar variation 1590515 (VCV001590515.12), dbSNP rs1597932762, ClinGen allele CA500500847.

ClinVar aggregate classification (germline): Benign/Likely benign. Review status: criteria provided, multiple submitters, no conflicts (2 of 4 stars). 3 submissions from 3 submitters: Benign (1); Likely benign (2). Last evaluated 2025-05-21.

Conditions:
Prostate cancer, hereditary, 9 (HPC9). Identifiers: Orphanet 1331, MedGen C1970250, MONDO:0012597, OMIM 610997.
Hereditary cancer-predisposing syndrome. Also called: Tumor predisposition; Hereditary neoplastic syndrome; Neoplastic Syndromes, Hereditary; Hereditary Cancer Syndrome. Identifiers: Orphanet 140162, MedGen C0027672, MeSH D009386, MONDO:0015356.

Allele frequency attached by ClinVar (database versions not stated): gnomAD exomes below 0.00001; TOPMed below 0.00001.

Submissions (3):

Labcorp Genetics (formerly Invitae), Labcorp
Classification: Likely benign. Last evaluated: 2025-05-21. Review status: criteria provided, single submitter. Criteria: Invitae Variant Classification Sherloc (09022015). Collection method: clinical testing. Allele origin: germline.

Myriad Genetics, Inc.
Classification: Benign for Prostate cancer, hereditary, 9. Last evaluated: 2024-10-30. Review status: criteria provided, single submitter. Criteria: Myriad Autosomal Dominant, Autosomal Recessive and X-Linked Classification Criteria (2023). Collection method: clinical testing. Allele origin: unknown.
Comment: This variant is considered benign. This variant is a silent/synonymous amino acid change and it is not expected to impact splicing.

Ambry Genetics
Classification: Likely benign for Hereditary cancer-predisposing syndrome. Last evaluated: 2021-12-30. Review status: criteria provided, single submitter. Criteria: Ambry Variant Classification Scheme 2023. Collection method: clinical testing. Allele origin: germline.